The following is an entry in ClinVar:

NM_002225.5(IVD):c.148C>G (p.Arg50Gly)

Gene: IVD (isovaleryl-CoA dehydrogenase; plus strand). Cytogenetic location: 15q15.1.
Variant type: single nucleotide variant.
Coding change: c.148C>G on transcript NM_002225.5 (MANE Select); coding-DNA position 148, C replaced by G.
Protein change: p.Arg50Gly; replaces arginine 50 with glycine.
Molecular consequence: missense variant. On other transcripts: non-coding transcript variant (1), intron variant (1).
Genome position (GRCh38, 1-based): chr15:40,407,639, C>G. VCF-style: chr15-40407639-C-G. GRCh37 (hg19) VCF-style: chr15-40699840-C-G.
Other names: c.100C>G, p.Arg34Gly (NM_001354597.3); c.148C>G, p.Arg50Gly (NM_001354598.3, NM_001354599.3, NM_001354600.3 and 1 more transcripts); c.145-300C>G (NM_001159508.3); short protein forms R50G, R34G.
Identifiers: ClinVar variation 648047 (VCV000648047.8), dbSNP rs34695403, ClinGen allele CA7480512.

ClinVar aggregate classification (germline): Conflicting classifications of pathogenicity. Review status: criteria provided, conflicting classifications (1 of 4 stars). 3 submissions from 3 submitters: Likely pathogenic (1); Uncertain significance (1). 1 of the submissions does not count toward it. Last evaluated 2024-09-11.

Conditions:
Isovaleryl-CoA dehydrogenase deficiency (IVA). Also called: Isovaleric acidemia; IVD DEFICIENCY; ISOVALERIC ACID CoA DEHYDROGENASE DEFICIENCY; Classic Isovaleric Acidemia. Identifiers: Orphanet 33, MedGen C0268575, MONDO:0009475, OMIM 243500.

Allele frequency attached by ClinVar (database versions not stated): TOPMed 0.00005.
gnomAD v4.1: 23 of 1,613,544 alleles (0.0014%); highest among the groups gnomAD compares: African/African-American, 0.0027%; no homozygotes.

Submissions (3):

Labcorp Genetics (formerly Invitae), Labcorp
Classification: Uncertain significance for Isovaleryl-CoA dehydrogenase deficiency. Last evaluated: 2024-09-11. Review status: criteria provided, single submitter. Criteria: Invitae Variant Classification Sherloc (09022015). Collection method: clinical testing. Allele origin: germline.
Comment: This sequence change replaces arginine, which is basic and polar, with glycine, which is neutral and non-polar, at codon 53 of the IVD protein (p.Arg53Gly). This variant is present in population databases (rs34695403, gnomAD 0.006%). This missense change has been observed in individual(s) with isovaleric acidemia (internal data). In at least one individual the data is consistent with being in trans (on the opposite chromosome) from a pathogenic variant. ClinVar contains an entry for this variant (Variation ID: 648047). An algorithm developed to predict the effect of missense changes on protein structure and function (PolyPhen-2) suggests that this variant is likely to be disruptive. This variant disrupts the p.Arg53 amino acid residue in IVD. Other variant(s) that disrupt this residue have been observed in individuals with IVD-related conditions (PMID: 10677295, 15486829, 17576084), which suggests that this may be a clinically significant amino acid residue. In summary, the available evidence is currently insufficient to determine the role of this variant in disease. Therefore, it has been classified as a Variant of Uncertain Significance.

Fulgent Genetics
Classification: Likely pathogenic for Isovaleryl-CoA dehydrogenase deficiency. Last evaluated: 2024-05-17. Review status: criteria provided, single submitter. Criteria: ACMG Guidelines, 2015. Collection method: clinical testing. Allele origin: germline.

Natera, Inc.
Classification: Uncertain significance for Isovaleryl-coa dehydrogenase deficiency. Last evaluated: 2020-09-16. Review status: no assertion criteria provided. Collection method: clinical testing. Allele origin: germline. Not counted in ClinVar's aggregate classification.

Literature cited by the submitters: PubMed 10677295 (cited by Labcorp Genetics (formerly Invitae), Labcorp); PubMed 15486829 (cited by Labcorp Genetics (formerly Invitae), Labcorp); PubMed 17576084 (cited by Labcorp Genetics (formerly Invitae), Labcorp).